The following is an entry in ClinVar:

ClinVar aggregate classification (germline): Pathogenic. Review status: criteria provided, multiple submitters, no conflicts (2 of 4 stars). 2 submissions from 2 submitters: Pathogenic (2). Last evaluated 2023-06-07.

Conditions:
Fanconi anemia complementation group J. Also called: BRIP1-Related Fanconi Anemia. Identifiers: Orphanet 84, MedGen C1836860, MONDO:0012187, OMIM 609054.
Familial cancer of breast. Also called: BREAST CANCER, FAMILIAL; hereditary breast carcinoma; Hereditary breast cancer. Identifiers: Orphanet 227535, MedGen C0346153, MONDO:0016419, OMIM 114480. Disease mechanism: loss of function.

Submissions (2):

Myriad Genetics, Inc.
Classification: Pathogenic for Familial cancer of breast. Last evaluated: 2023-06-07. Review status: criteria provided, single submitter. Criteria: Myriad Autosomal Dominant, Autosomal Recessive and X-Linked Classification Criteria (2023). Collection method: clinical testing. Allele origin: unknown.
Comment: This variant is considered pathogenic. This variant creates a termination codon and is predicted to result in premature protein truncation.

Labcorp Genetics (formerly Invitae), Labcorp
Classification: Pathogenic for Familial cancer of breast; Fanconi anemia complementation group J. Last evaluated: 2020-01-11. Review status: criteria provided, single submitter. Criteria: Invitae Variant Classification Sherloc (09022015). Collection method: clinical testing. Allele origin: germline.
Comment: This sequence change creates a premature translational stop signal (p.Gln869*) in the BRIP1 gene. It is expected to result in an absent or disrupted protein product. This variant is not present in population databases (ExAC no frequency). This variant has not been reported in the literature in individuals with BRIP1-related conditions. ClinVar contains an entry for this variant (Variation ID: 568994). Loss-of-function variants in BRIP1 are known to be pathogenic (PMID: 16116423, 17033622, 21964575). For these reasons, this variant has been classified as Pathogenic.

Literature cited by the submitters: PubMed 16116423 (cited by Labcorp Genetics (formerly Invitae), Labcorp); PubMed 17033622 (cited by Labcorp Genetics (formerly Invitae), Labcorp); PubMed 21964575 (cited by Labcorp Genetics (formerly Invitae), Labcorp).

NM_032043.3(BRIP1):c.2605C>T (p.Gln869Ter)

Gene: BRIP1 (BRCA1 interacting DNA helicase 1; minus strand). Cytogenetic location: 17q23.2.
Variant type: single nucleotide variant.
Coding change: c.2605C>T on transcript NM_032043.3 (MANE Select); coding-DNA position 2605, C replaced by T.
Protein change: p.Gln869Ter; replaces glutamine 869 with a stop codon.
Molecular consequence: nonsense.
Genome position (GRCh38, 1-based): chr17:61,686,136, G>A on the plus strand (C>T on the coding strand, the complement: BRIP1 is on the minus strand). VCF-style: chr17-61686136-G-A. GRCh37 (hg19) VCF-style: chr17-59763497-G-A.
Other names: short protein forms Q869*.
Identifiers: ClinVar variation 568994 (VCV000568994.10), dbSNP rs1060501766, ClinGen allele CA400481958.